The following is an entry in ClinVar:

NM_000038.6(APC):c.2040A>C (p.Ala680=)

Gene: APC (APC regulator of Wnt signaling pathway; plus strand). Cytogenetic location: 5q22.2.
Variant type: single nucleotide variant.
Coding change: c.2040A>C on transcript NM_000038.6 (MANE Select); coding-DNA position 2040, A replaced by C.
Protein change: p.Ala680=; no amino-acid change (alanine 680 retained).
Molecular consequence: synonymous variant.
Genome position (GRCh38, 1-based): chr5:112,837,634, A>C. VCF-style: chr5-112837634-A-C. GRCh37 (hg19) VCF-style: chr5-112173331-A-C.
Other names: c.1986A>C, p.Ala662= (NM_001127511.3); c.2040A>C, p.Ala680= (NM_001354895.2, NM_001127510.3); c.2094A>C, p.Ala698= (NM_001354896.2); c.2070A>C, p.Ala690= (NM_001354897.2); c.1767A>C, p.Ala589= (NM_001354902.2); c.1956A>C, p.Ala652= (NM_001354899.2); c.1863A>C, p.Ala621= (NM_001354901.2); c.1965A>C, p.Ala655= (NM_001354898.2); and 5 more.
Identifiers: ClinVar variation 820586 (VCV000820586.14), dbSNP rs1276616448, ClinGen allele CA445963351.
Genomic context (GRCh38, chr5:112,837,634, plus strand): 5'-CTGTCTACAAACTTTATTACAACACTTAAAATCTCATAGTTTGACAATAGTCAGTAATGC[A>C]TGTGGAACTTTGTGGAATCTCTCAGCAAGAAATCCTAAAGACCAGGAAGCATTATGGGAC-3'
Protein context (NP_000029.2, residues 670-690): KSHSLTIVSN[Ala680=]CGTLWNLSAR

ClinVar aggregate classification (germline): Benign/Likely benign. Review status: criteria provided, multiple submitters, no conflicts (2 of 4 stars). 3 submissions from 3 submitters: Benign (1); Likely benign (2). Last evaluated 2025-02-06.

Conditions:
Familial adenomatous polyposis 1 (FAP1). Also called: FAMILIAL ADENOMATOUS POLYPOSIS 1, ATTENUATED; POLYPOSIS, ADENOMATOUS INTESTINAL. Identifiers: MedGen C2713442, MONDO:0021056, OMIM 175100. Disease mechanism: loss of function.
Hereditary cancer-predisposing syndrome. Also called: Neoplastic Syndromes, Hereditary; Tumor predisposition; Hereditary Cancer Syndrome; Hereditary neoplastic syndrome. Identifiers: Orphanet 140162, MedGen C0027672, MeSH D009386, MONDO:0015356.

Submissions (3):

Labcorp Genetics (formerly Invitae), Labcorp
Classification: Likely benign for Familial adenomatous polyposis 1. Last evaluated: 2025-02-06. Review status: criteria provided, single submitter. Criteria: Invitae Variant Classification Sherloc (09022015). Collection method: clinical testing. Allele origin: germline.

Myriad Genetics, Inc.
Classification: Benign for Familial adenomatous polyposis 1. Last evaluated: 2024-03-08. Review status: criteria provided, single submitter. Criteria: Myriad Autosomal Dominant, Autosomal Recessive and X-Linked Classification Criteria (2023). Collection method: clinical testing. Allele origin: unknown.
Comment: This variant is considered benign. This variant is a silent/synonymous amino acid change and it is not expected to impact splicing.

Ambry Genetics
Classification: Likely benign for Hereditary cancer-predisposing syndrome. Last evaluated: 2018-08-03. Review status: criteria provided, single submitter. Criteria: Ambry Variant Classification Scheme 2023. Collection method: clinical testing. Allele origin: germline.